The following is an entry in ClinVar:

ClinVar aggregate classification (germline): Uncertain significance (1 of 4 stars; one submission).

Conditions:
Cardiovascular phenotype. Identifiers: MedGen CN230736.

Allele frequency attached by ClinVar (database versions not stated): gnomAD exomes below 0.00001.
gnomAD v4.1: 1 of 1,613,468 alleles (0.000062%); highest among the groups gnomAD compares: Non-Finnish European, 0.000085%; no homozygotes.

Submission:

Ambry Genetics
Classification: Uncertain significance for Cardiovascular phenotype. Last evaluated: 2023-02-14. Review status: criteria provided, single submitter. Criteria: Ambry Variant Classification Scheme 2023. Collection method: clinical testing. Allele origin: germline.
Comment: The p.V560M variant (also known as c.1678G>A), located in coding exon 9 of the JUP gene, results from a G to A substitution at nucleotide position 1678. The valine at codon 560 is replaced by methionine, an amino acid with highly similar properties. This amino acid position is conserved. In addition, the in silico prediction for this alteration is inconclusive. Since supporting evidence is limited at this time, the clinical significance of this alteration remains unclear.

NM_002230.4(JUP):c.1678G>A (p.Val560Met)

Gene: JUP (junction plakoglobin; minus strand). Cytogenetic location: 17q21.2.
Variant type: single nucleotide variant.
Coding change: c.1678G>A on transcript NM_002230.4 (MANE Select); coding-DNA position 1678, G replaced by A.
Protein change: p.Val560Met; replaces valine 560 with methionine.
Molecular consequence: missense variant.
Genome position (GRCh38, 1-based): chr17:41,758,494, C>T on the plus strand (G>A on the coding strand, the complement: JUP is on the minus strand). VCF-style: chr17-41758494-C-T. GRCh37 (hg19) VCF-style: chr17-39914746-C-T.
Other names: c.1678G>A, p.Val560Met (NM_001352773.2, NM_001352774.2, NM_001352775.2 and 3 more transcripts); short protein forms V560M.
Identifiers: ClinVar variation 2448239 (VCV002448239.2), dbSNP rs2544050302, ClinGen allele CA399493194.